The following is an entry in ClinVar:

NM_000463.3(UGT1A1):c.1208G>T (p.Arg403Leu)

Genes: UGT1A4 (UDP glucuronosyltransferase family 1 member A4; plus strand), UGT1A10 (UDP glucuronosyltransferase family 1 member A10; plus strand), UGT1A1 (UDP glucuronosyltransferase family 1 member A1; plus strand), UGT1A9 (UDP glucuronosyltransferase family 1 member A9; plus strand), UGT1A7 (UDP glucuronosyltransferase family 1 member A7; plus strand) and 5 more. Cytogenetic location: 2q37.1.
Variant type: single nucleotide variant.
Coding change: c.1208G>T on transcript NM_000463.3 (MANE Select); coding-DNA position 1208, G replaced by T.
Protein change: p.Arg403Leu; replaces arginine 403 with leucine.
Molecular consequence: missense variant.
Genome position (GRCh38, 1-based): chr2:233,768,343, G>T. VCF-style: chr2-233768343-G-T. GRCh37 (hg19) VCF-style: chr2-234676989-G-T.
Other names: c.1199G>T, p.Arg400Leu (NM_019075.4, NM_019076.5, NM_019077.3 and 1 more transcripts); c.1205G>T, p.Arg402Leu (NM_001072.4); c.404G>T, p.Arg135Leu (NM_205862.3); c.1211G>T, p.Arg404Leu (NM_019078.2, NM_007120.3, NM_019093.4); short protein forms R135L, R400L, R402L, R403L, R404L.
Identifiers: ClinVar variation 1709802 (VCV001709802.2), dbSNP rs140613392, ClinGen allele CA351074944.
Genomic context (GRCh38, chr2:233,768,343, plus strand): 5'-GCAATGGCGTTCCCATGGTGATGATGCCCTTGTTTGGTGATCAGATGGACAATGCAAAGC[G>T]CATGGAGACTAAGGGAGCTGGAGTGACCCTGAATGTTCTGGAAATGACTTCTGAAGATTT-3'
Protein context (NP_000454.1, residues 393-413): LFGDQMDNAK[Arg403Leu]METKGAGVTL

ClinVar aggregate classification (germline): Uncertain significance (1 of 4 stars; one submission).

Conditions:
Crigler-Najjar syndrome type 1. Also called: HYPERBILIRUBINEMIA, CRIGLER-NAJJAR TYPE I. Identifiers: Orphanet 79234, MedGen C0010324, MONDO:0021020, OMIM 218800.

gnomAD v4.1: 2 of 1,614,170 alleles (0.00012%); highest among the groups gnomAD compares: Non-Finnish European, 0.00017%; no homozygotes.

Submission:

MGZ Medical Genetics Center
Classification: Uncertain significance for Crigler-Najjar syndrome type 1. Last evaluated: 2021-10-06. Review status: criteria provided, single submitter. Criteria: ACMG Guidelines, 2015. Collection method: clinical testing. Allele origin: germline. Affected: yes. Observed: 1 variant allele.
Comment: ACMG criteria applied: PM2, PP3